The following is an entry in ClinVar:

ClinVar aggregate classification (germline): Likely pathogenic (1 of 4 stars; one submission).

Conditions:
Dilated cardiomyopathy 1G (CMD1G). Identifiers: Orphanet 154, MedGen C1858763, MONDO:0011400, OMIM 604145.
Autosomal recessive limb-girdle muscular dystrophy type 2J (LGMDR10). Also called: Limb-girdle muscular dystrophy, type 2J; MUSCULAR DYSTROPHY, LIMB-GIRDLE, AUTOSOMAL RECESSIVE 10. Identifiers: Orphanet 140922, MedGen C1837342, MONDO:0012127, OMIM 608807.

Submission:

Labcorp Genetics (formerly Invitae), Labcorp
Classification: Likely pathogenic for Dilated cardiomyopathy 1G; Autosomal recessive limb-girdle muscular dystrophy type 2J. Last evaluated: 2021-05-31. Review status: criteria provided, single submitter. Criteria: Invitae Variant Classification Sherloc (09022015). Collection method: clinical testing. Allele origin: germline.
Comment: In summary, the currently available evidence indicates that the variant is pathogenic, but additional data are needed to prove that conclusively. Therefore, this variant has been classified as Likely Pathogenic. This variant is located in the A band of TTN (PMID: 25589632). Truncating variants in this region are significantly overrepresented in patients affected with dilated cardiomyopathy (PMID: 25589632). Truncating variants in this region have also been reported in individuals affected with autosomal recessive centronuclear myopathy (PMID: 23975875). This variant has not been reported in the literature in individuals with TTN-related conditions. This variant is not present in population databases (ExAC no frequency). This sequence change creates a premature translational stop signal (p.Lys27378Serfs*7) in the TTN gene. While this is not anticipated to result in nonsense mediated decay, it is expected to create a truncated TTN protein.

Literature cited by the submitters: PubMed 25589632; PubMed 23975875.

NM_001267550.2(TTN):c.82113_82132dup (p.Lys27378delinsSerLeuLeuLysGlyLeuTer)

Genes: TTN (titin; minus strand), TTN-AS1 (TTN antisense RNA 1; plus strand). Cytogenetic location: 2q31.2.
Variant type: Duplication.
Coding change: c.82113_82132dup on transcript NM_001267550.2 (MANE Select); coding-DNA positions 82113 to 82132, 20 bases duplicated (GCCTCCTGAAGGGCCTCTGA).
Protein change: p.Lys27378delinsSerLeuLeuLysGlyLeuTer.
Molecular consequence: nonsense.
Genome position (GRCh38, 1-based): chr2:178,564,000-178,564,019, TCAGAGGCCCTTCAGGAGGC duplicated on the plus strand (GCCTCCTGAAGGGCCTCTGA on the coding strand, the reverse complement: TTN is on the minus strand). VCF-style (leftmost placement, unchanged base first): chr2-178563999-T-TTCAGAGGCCCTTCAGGAGGC. GRCh37 (hg19) VCF-style: chr2-179428726-T-TTCAGAGGCCCTTCAGGAGGC.
Other names: c.77190_77209dup, p.Lys25737delinsSerLeuLeuLysGlyLeuTer (NM_001256850.1); c.54918_54937dup, p.Lys18313delinsSerLeuLeuLysGlyLeuTer (NM_003319.4); c.74409_74428dup, p.Lys24810delinsSerLeuLeuLysGlyLeuTer (NM_133378.4); c.55293_55312dup, p.Lys18438delinsSerLeuLeuLysGlyLeuTer (NM_133432.3); c.55494_55513dup, p.Lys18505delinsSerLeuLeuLysGlyLeuTer (NM_133437.4).
Identifiers: ClinVar variation 1345114 (VCV001345114.8), dbSNP rs2154161823, ClinGen allele CA2573134117.